The following is an entry in ClinVar:

NM_181426.2(CCDC39):c.1886G>A (p.Arg629His)

Gene: CCDC39 (coiled-coil domain 39 molecular ruler complex subunit; minus strand). Cytogenetic location: 3q26.33.
Variant type: single nucleotide variant.
Coding change: c.1886G>A on transcript NM_181426.2 (MANE Select); coding-DNA position 1886, G replaced by A.
Protein change: p.Arg629His; replaces arginine 629 with histidine.
Molecular consequence: missense variant.
Genome position (GRCh38, 1-based): chr3:180,631,581, C>T on the plus strand (G>A on the coding strand, the complement: CCDC39 is on the minus strand). VCF-style: chr3-180631581-C-T. GRCh37 (hg19) VCF-style: chr3-180349369-C-T.
Other names: c.1886G>A (NM_181426.1); short protein forms R629H.
Identifiers: ClinVar variation 2145478 (VCV002145478.2), dbSNP rs368439919, ClinGen allele CA2715836.

ClinVar aggregate classification (germline): Conflicting classifications of pathogenicity. Review status: criteria provided, conflicting classifications (1 of 4 stars). 2 submissions from 2 submitters: Uncertain significance (1); Likely benign (1). Last evaluated 2022-09-05.

Conditions:
Primary ciliary dyskinesia. Also called: Ciliary dyskinesia. Identifiers: Orphanet 244, MedGen C0008780, MONDO:0016575, HP:0012265.

Allele frequency attached by ClinVar (database versions not stated): ExAC 0.00005; gnomAD 0.00005; TOPMed 0.00006; gnomAD exomes 0.00007; ESP Exome Variant Server 0.00008; 1000 Genomes Project 30x 0.00031.
gnomAD v4.1: 100 of 1,606,554 alleles (0.0062%); highest among the groups gnomAD compares: Middle Eastern, 0.017%; no homozygotes.

Submissions (2):

Labcorp Genetics (formerly Invitae), Labcorp
Classification: Uncertain significance for Primary ciliary dyskinesia. Last evaluated: 2022-09-05. Review status: criteria provided, single submitter. Criteria: Invitae Variant Classification Sherloc (09022015). Collection method: clinical testing. Allele origin: germline.
Comment: This sequence change replaces arginine, which is basic and polar, with histidine, which is basic and polar, at codon 629 of the CCDC39 protein (p.Arg629His). This variant is present in population databases (rs368439919, gnomAD 0.01%). This variant has not been reported in the literature in individuals affected with CCDC39-related conditions. Algorithms developed to predict the effect of missense changes on protein structure and function output the following: SIFT: "Tolerated"; PolyPhen-2: "Benign"; Align-GVGD: "Class C0". The histidine amino acid residue is found in multiple mammalian species, which suggests that this missense change does not adversely affect protein function. In summary, the available evidence is currently insufficient to determine the role of this variant in disease. Therefore, it has been classified as a Variant of Uncertain Significance.

Ambry Genetics
Classification: Likely benign for Primary ciliary dyskinesia. Last evaluated: 2021-06-22. Review status: criteria provided, single submitter. Criteria: Ambry Variant Classification Scheme 2023. Collection method: clinical testing. Allele origin: germline.